The following is an entry in ClinVar:

NM_014516.4(CNOT3):c.629A>G (p.Tyr210Cys)

Gene: CNOT3 (CCR4-NOT transcription complex subunit 3; plus strand). Cytogenetic location: 19q13.42.
Variant type: single nucleotide variant.
Coding change: c.629A>G on transcript NM_014516.4 (MANE Select); coding-DNA position 629, A replaced by G.
Protein change: p.Tyr210Cys; replaces tyrosine 210 with cysteine.
Molecular consequence: missense variant.
Genome position (GRCh38, 1-based): chr19:54,145,743, A>G. VCF-style: chr19-54145743-A-G. GRCh37 (hg19) VCF-style: chr19-54649479-A-G.
Other names: short protein forms Y210C.
Identifiers: ClinVar variation 3359637 (VCV003359637.2).

ClinVar aggregate classification (germline): Uncertain significance (1 of 4 stars; one submission).

Submission:

GeneDx
Classification: Uncertain significance. Last evaluated: 2026-02-05. Review status: criteria provided, single submitter. Criteria: GeneDx Variant Classification Process June 2021. Collection method: clinical testing. Allele origin: germline.
Comment: Not observed at significant frequency in large population cohorts (gnomAD); In silico analysis supports that this missense variant has a deleterious effect on protein structure/function; Has not been previously published as pathogenic or benign to our knowledge